The following is an entry in ClinVar:

NM_001430.5(EPAS1):c.2315G>T (p.Gly772Val)

Gene: EPAS1 (endothelial PAS domain protein 1; plus strand). Cytogenetic location: 2p21.
Variant type: single nucleotide variant.
Coding change: c.2315G>T on transcript NM_001430.5 (MANE Select); coding-DNA position 2315, G replaced by T.
Protein change: p.Gly772Val; replaces glycine 772 with valine.
Molecular consequence: missense variant.
Genome position (GRCh38, 1-based): chr2:46,382,452, G>T. VCF-style: chr2-46382452-G-T. GRCh37 (hg19) VCF-style: chr2-46609591-G-T.
Other names: short protein forms G772V.
Identifiers: ClinVar variation 2560753 (VCV002560753.2), dbSNP rs1572650676, ClinGen allele CA346706010.

ClinVar aggregate classification (germline): Uncertain significance (1 of 4 stars; one submission).

Conditions:
Inborn genetic diseases. Identifiers: MedGen C0950123, MeSH D030342.

gnomAD v4.1: 1 of 1,614,004 alleles (0.000062%); highest among the groups gnomAD compares: African/African-American, 0.0013%; no homozygotes.

Submission:

Ambry Genetics
Classification: Uncertain significance for Inborn genetic diseases. Last evaluated: 2023-05-08. Review status: criteria provided, single submitter. Criteria: Ambry Variant Classification Scheme 2023. Collection method: clinical testing. Allele origin: germline.
Comment: The p.G772V variant (also known as c.2315G>T), located in coding exon 15 of the EPAS1 gene, results from a G to T substitution at nucleotide position 2315. The glycine at codon 772 is replaced by valine, an amino acid with dissimilar properties. This amino acid position is conserved. In addition, the in silico prediction for this alteration is inconclusive. Since supporting evidence is limited at this time, the clinical significance of this alteration remains unclear.